The following is an entry in ClinVar:

NM_001184.4(ATR):c.7598G>A (p.Arg2533Gln)

Gene: ATR (ATR checkpoint kinase; minus strand). Cytogenetic location: 3q23.
Variant type: single nucleotide variant.
Coding change: c.7598G>A on transcript NM_001184.4 (MANE Select); coding-DNA position 7598, G replaced by A.
Protein change: p.Arg2533Gln; replaces arginine 2533 with glutamine.
Molecular consequence: missense variant.
Genome position (GRCh38, 1-based): chr3:142,457,661, C>T on the plus strand (G>A on the coding strand, the complement: ATR is on the minus strand). VCF-style: chr3-142457661-C-T. GRCh37 (hg19) VCF-style: chr3-142176503-C-T.
Other names: c.7406G>A, p.Arg2469Gln (NM_001354579.2); short protein forms R2469Q, R2533Q.
Identifiers: ClinVar variation 1482849 (VCV001482849.8), dbSNP rs763127779, ClinGen allele CA2649098.
Genomic context (GRCh38, chr3:142,457,661, plus strand): 5'-TACCTCATTAAAGGCTCTCGCTGATCACGCATCAGCCTCATTGTAACTTCACATGCTCTT[C>T]GAAAAAGACCCTCTGTTCCCATAGGACCCATTCCATTAACCATATTATGAGTCAGGCGAA-3'
Protein context (NP_001175.2, residues 2523-2543): MGPMGTEGLF[Arg2533Gln]RACEVTMRLM

ClinVar aggregate classification (germline): Uncertain significance (1 of 4 stars; one submission).

Allele frequency attached by ClinVar (database versions not stated): ExAC 0.00001; gnomAD 0.00001; gnomAD exomes 0.00001.
gnomAD v4.1: 12 of 1,613,854 alleles (0.00074%); highest among the groups gnomAD compares: South Asian, 0.0022%; no homozygotes.

Submission:

Labcorp Genetics (formerly Invitae), Labcorp
Classification: Uncertain significance. Last evaluated: 2024-07-21. Review status: criteria provided, single submitter. Criteria: Invitae Variant Classification Sherloc (09022015). Collection method: clinical testing. Allele origin: germline.
Comment: This sequence change replaces arginine, which is basic and polar, with glutamine, which is neutral and polar, at codon 2533 of the ATR protein (p.Arg2533Gln). This variant is present in population databases (rs763127779, gnomAD 0.006%). This variant has not been reported in the literature in individuals affected with ATR-related conditions. ClinVar contains an entry for this variant (Variation ID: 1482849). An algorithm developed to predict the effect of missense changes on protein structure and function (PolyPhen-2) suggests that this variant is likely to be disruptive. In summary, the available evidence is currently insufficient to determine the role of this variant in disease. Therefore, it has been classified as a Variant of Uncertain Significance.